The following is an entry in ClinVar:

ClinVar aggregate classification (germline): Uncertain significance (1 of 4 stars; one submission).

Allele frequency attached by ClinVar (database versions not stated): gnomAD exomes below 0.00001.
gnomAD v4.1: 1 of 1,596,398 alleles (0.000063%); highest among the groups gnomAD compares: Non-Finnish European, 0.000085%; no homozygotes.

Submission:

Labcorp Genetics (formerly Invitae), Labcorp
Classification: Uncertain significance. Last evaluated: 2022-04-09. Review status: criteria provided, single submitter. Criteria: Invitae Variant Classification Sherloc (09022015). Collection method: clinical testing. Allele origin: germline.
Comment: Algorithms developed to predict the effect of missense changes on protein structure and function (SIFT, PolyPhen-2, Align-GVGD) all suggest that this variant is likely to be disruptive. This variant has not been reported in the literature in individuals affected with NCKAP1-related conditions. This variant is not present in population databases (gnomAD no frequency). This sequence change replaces tyrosine, which is neutral and polar, with asparagine, which is neutral and polar, at codon 551 of the NCKAP1 protein (p.Tyr551Asn). In summary, the available evidence is currently insufficient to determine the role of this variant in disease. Therefore, it has been classified as a Variant of Uncertain Significance.

NM_013436.5(NCKAP1):c.1633T>A (p.Tyr545Asn)

Gene: NCKAP1 (NCK associated protein 1; minus strand). Cytogenetic location: 2q32.1.
Variant type: single nucleotide variant.
Coding change: c.1633T>A on transcript NM_013436.5 (MANE Select); coding-DNA position 1633, T replaced by A.
Protein change: p.Tyr545Asn; replaces tyrosine 545 with asparagine.
Molecular consequence: missense variant.
Genome position (GRCh38, 1-based): chr2:182,964,804, A>T on the plus strand (T>A on the coding strand, the complement: NCKAP1 is on the minus strand). VCF-style: chr2-182964804-A-T. GRCh37 (hg19) VCF-style: chr2-183829532-A-T.
Other names: c.1651T>A, p.Tyr551Asn (NM_205842.3); short protein forms Y545N, Y551N.
Identifiers: ClinVar variation 2123706 (VCV002123706.4), dbSNP rs2468609506, ClinGen allele CA349759449.
Genomic context (GRCh38, chr2:182,964,804, plus strand): 5'-ATCTTGATTGAGAGGGTAACTCCAAACACTGTTGAAACATCTTCTCAAAAGCACGACTAT[A>T]AAAACTATATAAACAAAAATCAGAATCACAATTTTTACATTTAAAGTAAGTTTTCTGATA-3'
Protein context (NP_038464.1, residues 535-555): ETSDLSIFCF[Tyr545Asn]SRAFEKMFQQ